The following is an entry in ClinVar:

ClinVar aggregate classification (germline): Likely benign (0 of 4 stars; one submission).

Conditions:
SDCCAG8-related disorder. Also called: SDCCAG8-Related Disorders; SDCCAG8-related condition.

Submission:

PreventionGenetics, part of Exact Sciences
Classification: Likely benign for SDCCAG8-related condition. Last evaluated: 2022-11-29. Review status: no assertion criteria provided. Collection method: clinical testing. Allele origin: germline.
Comment: This variant is classified as likely benign based on ACMG/AMP sequence variant interpretation guidelines (Richards et al. 2015 PMID: 25741868, with internal and published modifications).

NM_006642.5(SDCCAG8):c.1616+4C>T

Gene: SDCCAG8 (SHH signaling and ciliogenesis regulator SDCCAG8; plus strand). Cytogenetic location: 1q43.
Variant type: single nucleotide variant.
Coding change: c.1616+4C>T on transcript NM_006642.5 (MANE Select); 4 bases into the intron after coding-DNA position 1616, C replaced by T.
Molecular consequence: intron variant.
Genome position (GRCh38, 1-based): chr1:243,378,867, C>T. VCF-style: chr1-243378867-C-T. GRCh37 (hg19) VCF-style: chr1-243542169-C-T.
Other names: c.1322+4C>T (NM_001350249.2); c.713+4C>T (NM_001350251.2, NM_001350246.2, NM_001350247.2); c.1712+4C>T (NM_001350248.2).
Identifiers: ClinVar variation 3355286 (VCV003355286.1).